The following is an entry in ClinVar:

NM_001164462.2(MUC12):c.13980C>T (p.Ser4660=)

Gene: MUC12 (mucin 12, cell surface associated; plus strand). Cytogenetic location: 7q22.1.
Variant type: single nucleotide variant.
Coding change: c.13980C>T on transcript NM_001164462.2 (MANE Select); coding-DNA position 13980, C replaced by T.
Protein change: p.Ser4660=; no amino-acid change (serine 4660 retained).
Molecular consequence: synonymous variant.
Genome position (GRCh38, 1-based): chr7:101,004,543, C>T. VCF-style: chr7-101004543-C-T. GRCh37 (hg19) VCF-style: chr7-100647824-C-T.
Identifiers: ClinVar variation 2657827 (VCV002657827.24), dbSNP rs552616938, ClinGen allele CA4400403.
Genomic context (GRCh38, chr7:101,004,543, plus strand): 5'-AATATCTTCACCTCCTAGCACCACATCTGCCCTTGTTGAAGAACCTACCAGCTACCACAG[C>T]AGCCCGGGCTCAATTGCAACAACACACTTTCCTGAGAGCTCCACAACCTCCGGCCGTAGT-3'
Protein context (NP_001157934.1, residues 4650-4670): ALVEEPTSYH[Ser4660=]SPGSIATTHF

ClinVar aggregate classification (germline): Likely benign (1 of 4 stars; one submission).

Allele frequency attached by ClinVar (database versions not stated): TOPMed below 0.00001; gnomAD 0.00007; 1000 Genomes Project 30x 0.00016; 1000 Genomes Project 0.00020; ExAC 0.00078.
gnomAD v4.1: 191 of 1,537,328 alleles (0.012%); highest among the groups gnomAD compares: South Asian, 0.2%; 1 homozygote.

Submission:

CeGaT Center for Human Genetics Tuebingen
Classification: Likely benign. Last evaluated: 2022-08-01. Review status: criteria provided, single submitter. Criteria: CeGaT Center For Human Genetics Tuebingen Variant Classification Criteria Version 2. Collection method: clinical testing. Allele origin: germline. Affected: yes. Observed: 1 variant allele.
Comment: MUC12: BP4, BP7